The following is an entry in ClinVar:

NM_000219.6(KCNE1):c.40A>C (p.Thr14Pro)

Gene: KCNE1 (potassium voltage-gated channel subfamily E regulatory subunit 1; minus strand). Cytogenetic location: 21q22.12.
Variant type: single nucleotide variant.
Coding change: c.40A>C on transcript NM_000219.6 (MANE Select); coding-DNA position 40, A replaced by C.
Protein change: p.Thr14Pro; replaces threonine 14 with proline.
Molecular consequence: missense variant.
Genome position (GRCh38, 1-based): chr21:34,449,595, T>G on the plus strand (A>C on the coding strand, the complement: KCNE1 is on the minus strand). VCF-style: chr21-34449595-T-G. GRCh37 (hg19) VCF-style: chr21-35821893-T-G.
Other names: c.40A>C, p.Thr14Pro (NM_001127668.4, NM_001127669.4, NM_001127670.4 and 4 more transcripts); short protein forms T14P.
Identifiers: ClinVar variation 3373883 (VCV003373883.2).
Genomic context (GRCh38, chr21:34,449,595, plus strand): 5'-ACCTGCGGGCCAGGCCCGACATGTTGCCACCCTGCTGAACTGTCTCCTGCCACAGCTTGG[T>G]CAGAAAGGGCGTCACCGCTGTGGTGTTAGACAGGATCATCCTGGGCATTAAGGTTCCACT-3'
Protein context (NP_000210.2, residues 4-24): SNTTAVTPFL[Thr14Pro]KLWQETVQQG

Conditions:
Long QT syndrome 5 (LQT5). Identifiers: Orphanet 101016, Orphanet 768, MedGen C1867904, MONDO:0013372, OMIM 613695.

Submission:

Roden Lab, Vanderbilt University Medical Center
No classification provided (evidence only). Condition: Long QT syndrome 5. Review status: no classification provided. Collection method: in vitro. Allele origin: not applicable. Functional consequence: Effect on ion channel function.
ClinVar note: "not provided" was previously submitted as the classification for the variant. However, the classification appeared to be based only on an observation of functional data so it was converted to no classification on 2025-07-30.